The following is an entry in ClinVar:

ClinVar aggregate classification (germline): Conflicting classifications of pathogenicity. Review status: criteria provided, conflicting classifications (1 of 4 stars). 2 submissions from 2 submitters: Uncertain significance (1); Benign (1). Last evaluated 2025-06-03.

Conditions:
Autosomal dominant nocturnal frontal lobe epilepsy 5. Also called: CILIARY DYSKINESIA, PRIMARY, 28, WITHOUT SITUS INVERSUS; CILIARY DYSKINESIA, PRIMARY, 28, WITH SITUS INVERSUS; Epilepsy, nocturnal frontal lobe, 5; KCNT1-Related Epilepsy. Identifiers: Orphanet 98784, MedGen C3554306, MONDO:0014002, OMIM 615005.
Developmental and epileptic encephalopathy, 14 (DEE14). Also called: Early infantile epileptic encephalopathy 14. Identifiers: Orphanet 293181, MedGen C3554195, MONDO:0013989, OMIM 614959.

Allele frequency attached by ClinVar (database versions not stated): gnomAD exomes below 0.00001.
gnomAD v4.1: 5 of 1,390,070 alleles (0.00036%); highest among the groups gnomAD compares: Non-Finnish European, 0.00047%; no homozygotes.

Submissions (2):

Labcorp Genetics (formerly Invitae), Labcorp
Classification: Uncertain significance for Autosomal dominant nocturnal frontal lobe epilepsy 5; Developmental and epileptic encephalopathy, 14. Last evaluated: 2025-06-03. Review status: criteria provided, single submitter. Criteria: Invitae Variant Classification Sherloc (09022015). Collection method: clinical testing. Allele origin: germline.
Comment: This sequence change falls in intron 18 of the KCNT1 gene. It does not directly change the encoded amino acid sequence of the KCNT1 protein. It affects a nucleotide within the consensus splice site. This variant is not present in population databases (gnomAD no frequency). This variant has not been reported in the literature in individuals affected with KCNT1-related conditions. ClinVar contains an entry for this variant (Variation ID: 1685511). Variants that disrupt the consensus splice site are a relatively common cause of aberrant splicing (PMID: 17576681, 9536098). Algorithms developed to predict the effect of sequence changes on RNA splicing suggest that this variant is not likely to affect RNA splicing. In summary, the available evidence is currently insufficient to determine the role of this variant in disease. Therefore, it has been classified as a Variant of Uncertain Significance.

Mendelics
Classification: Benign. Last evaluated: 2022-05-04. Review status: criteria provided, single submitter. Criteria: Mendelics Assertion Criteria 2019. Collection method: clinical testing. Allele origin: germline.

Literature cited by the submitters: PubMed 17576681 (cited by Labcorp Genetics (formerly Invitae), Labcorp); PubMed 9536098 (cited by Labcorp Genetics (formerly Invitae), Labcorp).

NM_020822.3(KCNT1):c.2009-3C>T

Gene: KCNT1 (potassium sodium-activated channel subfamily T member 1; plus strand). Cytogenetic location: 9q34.3.
Variant type: single nucleotide variant.
Coding change: c.2009-3C>T on transcript NM_020822.3 (MANE Select); 3 bases into the intron before coding-DNA position 2009, C replaced by T.
Molecular consequence: intron variant.
Genome position (GRCh38, 1-based): chr9:135,772,712, C>T. VCF-style: chr9-135772712-C-T. GRCh37 (hg19) VCF-style: chr9-138664558-C-T.
Other names: c.1874-3C>T (NM_001272003.2).
Identifiers: ClinVar variation 1685511 (VCV001685511.4), dbSNP rs2131520063, ClinGen allele CA2573144182.